The following is an entry in ClinVar:

ClinVar aggregate classification (germline): Likely pathogenic. Review status: criteria provided, multiple submitters, no conflicts (2 of 4 stars). 3 submissions from 3 submitters: Likely pathogenic (2). 1 of the submissions does not count toward it. Last evaluated 2024-04-25.

Conditions:
Cerebral cavernous malformation (CCM). Also called: Cerebral cavernous malformations; CAVERNOUS ANGIOMA, FAMILIAL; CAVERNOUS ANGIOMATOUS MALFORMATIONS; CEREBRAL CAPILLARY MALFORMATIONS; Cavernous Hemangioma of Brain; Cerebral cavernous hemangioma (type). Identifiers: Orphanet 221061, MedGen C2919945, MONDO:0000820, OMIM 116860, HP:0033522.
Cerebral cavernous malformation 1. Also called: Cerebral cavernous malformations 1; Familial Cerebral Cavernous Malformation 1. Identifiers: MedGen C1366911, MONDO:0020724.

Submissions (3):

Labcorp Genetics (formerly Invitae), Labcorp
Classification: Likely pathogenic for Cerebral cavernous malformation. Last evaluated: 2024-04-25. Review status: criteria provided, single submitter. Criteria: Invitae Variant Classification Sherloc (09022015). Collection method: clinical testing. Allele origin: germline.
Comment: This sequence change replaces aspartic acid, which is acidic and polar, with glycine, which is neutral and non-polar, at codon 137 of the KRIT1 protein (p.Asp137Gly). This variant is not present in population databases (gnomAD no frequency). This missense change has been observed in individuals with cerebral cavernous malformations (PMID: 11914398, 11941540; external communication). It has also been observed to segregate with disease in related individuals. ClinVar contains an entry for this variant (Variation ID: 5725). Advanced modeling of protein sequence and biophysical properties (such as structural, functional, and spatial information, amino acid conservation, physicochemical variation, residue mobility, and thermodynamic stability) performed at Invitae indicates that this missense variant is not expected to disrupt KRIT1 protein function with a negative predictive value of 80%. Algorithms developed to predict the effect of sequence changes on RNA splicing suggest that this variant may disrupt the consensus splice site. In summary, the currently available evidence indicates that the variant is pathogenic, but additional data are needed to prove that conclusively. Therefore, this variant has been classified as Likely Pathogenic.

Institute of Human Genetics, University of Leipzig Medical Center
Classification: Likely pathogenic for Cerebral cavernous malformation. Last evaluated: 2022-01-06. Review status: criteria provided, single submitter. Criteria: ACMG Guidelines, 2015. Collection method: clinical testing. Allele origin: unknown. Affected: yes.
Comment: A functional study confirmed the activation of a cryptic splice site (PMID: 11941540). Criteria applied: PS3, PS4_SUP, PM2_SUP, PP3

OMIM
Classification: Pathogenic for CEREBRAL CAVERNOUS MALFORMATIONS 1. Last evaluated: 2002-06-01. Review status: no assertion criteria provided. Collection method: literature only. Allele origin: germline. Not counted in ClinVar's aggregate classification.

Literature cited by the submitters: PubMed 11914398 (cited by Labcorp Genetics (formerly Invitae), Labcorp and OMIM); PubMed 11941540 (cited by 3 submitters); PubMed 11222804 (cited by OMIM).

NM_194454.3(KRIT1):c.410A>G (p.Asp137Gly)

Gene: KRIT1 (KRIT1 ankyrin repeat containing; minus strand). Cytogenetic location: 7q21.2.
Variant type: single nucleotide variant.
Coding change: c.410A>G on transcript NM_194454.3 (MANE Select); coding-DNA position 410, A replaced by G.
Protein change: p.Asp137Gly; replaces aspartic acid 137 with glycine.
Molecular consequence: missense variant. On other transcripts: 5 prime UTR variant (1).
Genome position (GRCh38, 1-based): chr7:92,236,488, T>C on the plus strand (A>G on the coding strand, the complement: KRIT1 is on the minus strand). VCF-style: chr7-92236488-T-C. GRCh37 (hg19) VCF-style: chr7-91865802-T-C.
Other names: c.410A>G, p.Asp137Gly (NM_001013406.2, NM_001350669.1, NM_001350670.1 and 29 more transcripts); c.-174A>G (NM_001350671.1); short protein forms D137G.
Identifiers: ClinVar variation 5725 (VCV000005725.4), dbSNP rs137853139, ClinGen allele CA253586.